The following is an entry in ClinVar:

NM_001098511.3(KIF2A):c.2014-43G>T

Gene: KIF2A (kinesin family member 2A; plus strand). Cytogenetic location: 5q12.1.
Variant type: single nucleotide variant.
Coding change: c.2014-43G>T on transcript NM_001098511.3 (MANE Select); 43 bases into the intron before coding-DNA position 2014, G replaced by T.
Molecular consequence: intron variant.
Genome position (GRCh38, 1-based): chr5:62,381,075, G>T. VCF-style: chr5-62381075-G-T. GRCh37 (hg19) VCF-style: chr5-61676902-G-T.
Other names: c.1819-43G>T (NM_001243952.2); c.1900-43G>T (NM_004520.5); c.1843-43G>T (NM_001243953.2).
Identifiers: ClinVar variation 682887 (VCV000682887.2), dbSNP rs247253, ClinGen allele CA3279094.

ClinVar aggregate classification (germline): Benign. Review status: criteria provided, multiple submitters, no conflicts (2 of 4 stars). 2 submissions from 2 submitters: Benign (2). Last evaluated 2018-06-14.

Allele frequency attached by ClinVar (database versions not stated): gnomAD exomes 0.40575 and 0.44288; ExAC 0.44569; gnomAD 0.48299 and 0.48713; TOPMed 0.49201; 1000 Genomes Project 0.51857.
gnomAD v4.1: 614,888 of 1,484,362 alleles (41%); highest among the groups gnomAD compares: African/African-American, 63%; 131,135 homozygotes.

Submissions (2):

GeneDx
Classification: Benign. Last evaluated: 2018-06-14. Review status: criteria provided, single submitter. Criteria: GeneDx Variant Classification (06012015). Collection method: clinical testing. Allele origin: germline. Affected: yes.
Comment: This variant is considered likely benign or benign based on one or more of the following criteria: it is a conservative change, it occurs at a poorly conserved position in the protein, it is predicted to be benign by multiple in silico algorithms, and/or has population frequency not consistent with disease.

Breakthrough Genomics
Classification: Benign. Review status: criteria provided, single submitter. Criteria: ACMG Guidelines, 2015. Collection method: not provided. Allele origin: germline. Inheritance: Autosomal dominant inheritance. Affected: yes.